The following is an entry in ClinVar:

NM_198576.4(AGRN):c.2230G>A (p.Val744Ile)

Gene: AGRN (agrin; plus strand). Cytogenetic location: 1p36.33.
Variant type: single nucleotide variant.
Coding change: c.2230G>A on transcript NM_198576.4 (MANE Select); coding-DNA position 2230, G replaced by A.
Protein change: p.Val744Ile; replaces valine 744 with isoleucine.
Molecular consequence: missense variant.
Genome position (GRCh38, 1-based): chr1:1,044,415, G>A. VCF-style: chr1-1044415-G-A. GRCh37 (hg19) VCF-style: chr1-979795-G-A.
Other names: c.2230G>A, p.Val744Ile (NM_001305275.2); c.1915G>A, p.Val639Ile (NM_001364727.2); short protein forms V744I, V639I.
Identifiers: ClinVar variation 848412 (VCV000848412.8), dbSNP rs774546870, ClinGen allele CA508523.

ClinVar aggregate classification (germline): Uncertain significance. Review status: criteria provided, multiple submitters, no conflicts (2 of 4 stars). 2 submissions from 2 submitters: Uncertain significance (2). Last evaluated 2026-01-06.

Conditions:
Congenital myasthenic syndrome 8. Also called: MYASTHENIC SYNDROME, CONGENITAL, DUE TO AGRIN DEFICIENCY; Myasthenic syndrome, congenital, 8, with pre- and postsynaptic defects. Identifiers: Orphanet 590, MedGen C3808739, MONDO:0014052, OMIM 615120.

Allele frequency attached by ClinVar (database versions not stated): gnomAD exomes 0.00001; ExAC 0.00002; gnomAD 0.00002; TOPMed 0.00004.
gnomAD v4.1: 63 of 1,611,334 alleles (0.0039%); highest among the groups gnomAD compares: Admixed American, 0.0084%; no homozygotes.

Submissions (2):

Women's Health and Genetics/Laboratory Corporation of America, LabCorp
Classification: Uncertain significance. Last evaluated: 2026-01-06. Review status: criteria provided, single submitter. Criteria: LabCorp Variant Classification Summary - May 2015. Collection method: clinical testing. Allele origin: germline.
Comment: Variant summary: AGRN c.2230G>A (p.Val744Ile) results in a conservative amino acid change in the encoded protein sequence. Algorithms developed to predict the effect of missense changes on protein structure and function are either unavailable or do not agree on the potential impact of this missense change. The variant allele was found at a frequency of 1.2e-05 in 244628 control chromosomes. The available data on variant occurrences in the general population are insufficient to allow any conclusion about variant significance. To our knowledge, no occurrence of c.2230G>A in individuals affected with AGRN-related conditions and no experimental evidence demonstrating its impact on protein function have been reported. ClinVar contains an entry for this variant (Variation ID: 848412). Based on the evidence outlined above, the variant was classified as uncertain significance.

Labcorp Genetics (formerly Invitae), Labcorp
Classification: Uncertain significance for Congenital myasthenic syndrome 8. Last evaluated: 2021-08-31. Review status: criteria provided, single submitter. Criteria: Invitae Variant Classification Sherloc (09022015). Collection method: clinical testing. Allele origin: germline.
Comment: This sequence change replaces valine with isoleucine at codon 744 of the AGRN protein (p.Val744Ile). The valine residue is moderately conserved and there is a small physicochemical difference between valine and isoleucine. This variant is present in population databases (rs774546870, ExAC 0.01%). This variant has not been reported in the literature in individuals affected with AGRN-related conditions. Algorithms developed to predict the effect of missense changes on protein structure and function output the following: SIFT: "Tolerated"; PolyPhen-2: "Possibly Damaging"; Align-GVGD: "Class C0". The isoleucine amino acid residue is found in multiple mammalian species, which suggests that this missense change does not adversely affect protein function. In summary, the available evidence is currently insufficient to determine the role of this variant in disease. Therefore, it has been classified as a Variant of Uncertain Significance.